The following is an entry in ClinVar:

NM_004380.3(CREBBP):c.6124A>T (p.Met2042Leu)

Gene: CREBBP (CREB binding lysine acetyltransferase; minus strand). Cytogenetic location: 16p13.3.
Variant type: single nucleotide variant.
Coding change: c.6124A>T on transcript NM_004380.3 (MANE Select); coding-DNA position 6124, A replaced by T.
Protein change: p.Met2042Leu; replaces methionine 2042 with leucine.
Molecular consequence: missense variant.
Genome position (GRCh38, 1-based): chr16:3,728,923, T>A on the plus strand (A>T on the coding strand, the complement: CREBBP is on the minus strand). VCF-style: chr16-3728923-T-A. GRCh37 (hg19) VCF-style: chr16-3778924-T-A.
Other names: c.6010A>T, p.Met2004Leu (NM_001079846.1); short protein forms M2004L, M2042L.
Identifiers: ClinVar variation 1716042 (VCV001716042.5), dbSNP rs2548346929, ClinGen allele CA394554169.

ClinVar aggregate classification (germline): Uncertain significance (1 of 4 stars; one submission).

Conditions:
Rubinstein-Taybi syndrome (RSTS). Identifiers: Orphanet 783, MedGen C0035934, MONDO:0019188.

Submission:

Labcorp Genetics (formerly Invitae), Labcorp
Classification: Uncertain significance for Rubinstein-Taybi syndrome. Last evaluated: 2022-11-08. Review status: criteria provided, single submitter. Criteria: Invitae Variant Classification Sherloc (09022015). Collection method: clinical testing. Allele origin: germline.
Comment: In summary, the available evidence is currently insufficient to determine the role of this variant in disease. Therefore, it has been classified as a Variant of Uncertain Significance. Advanced modeling of protein sequence and biophysical properties (such as structural, functional, and spatial information, amino acid conservation, physicochemical variation, residue mobility, and thermodynamic stability) performed at Invitae indicates that this missense variant is not expected to disrupt CREBBP protein function. This variant has not been reported in the literature in individuals affected with CREBBP-related conditions. This variant is not present in population databases (gnomAD no frequency). This sequence change replaces methionine, which is neutral and non-polar, with leucine, which is neutral and non-polar, at codon 2042 of the CREBBP protein (p.Met2042Leu). Algorithms developed to predict the effect of sequence changes on RNA splicing suggest that this variant may create or strengthen a splice site.